The following is an entry in ClinVar:

ClinVar aggregate classification (germline): Pathogenic (1 of 4 stars; one submission).

Conditions:
Arrhythmogenic right ventricular dysplasia 9 (ARVD9). Also called: Arrhythmogenic Right Ventricular Dysplasia/Cardiomyopathy 9; ARRHYTHMOGENIC RIGHT VENTRICULAR DYSPLASIA, FAMILIAL, 9. Identifiers: MedGen C1836906, MONDO:0012180, OMIM 609040.

Submission:

Labcorp Genetics (formerly Invitae), Labcorp
Classification: Pathogenic for Arrhythmogenic right ventricular dysplasia 9. Last evaluated: 2024-09-29. Review status: criteria provided, single submitter. Criteria: Invitae Variant Classification Sherloc (09022015). Collection method: clinical testing. Allele origin: germline.
Comment: This sequence change creates a premature translational stop signal (p.Gln24*) in the PKP2 gene. It is expected to result in an absent or disrupted protein product. Loss-of-function variants in PKP2 are known to be pathogenic (PMID: 15489853, 17041889, 23911551). This variant is not present in population databases (gnomAD no frequency). This variant has not been reported in the literature in individuals affected with PKP2-related conditions. For these reasons, this variant has been classified as Pathogenic.

Literature cited by the submitters: PubMed 15489853; PubMed 17041889; PubMed 23911551.

NM_001005242.3(PKP2):c.70C>T (p.Gln24Ter)

Gene: PKP2 (plakophilin 2; minus strand). Cytogenetic location: 12p11.21.
Variant type: single nucleotide variant.
Coding change: c.70C>T on transcript NM_001005242.3 (MANE Select); coding-DNA position 70, C replaced by T.
Protein change: p.Gln24Ter; replaces glutamine 24 with a stop codon.
Molecular consequence: nonsense. On other transcripts: 5 prime UTR variant (4).
Genome position (GRCh38, 1-based): chr12:32,896,662, G>A on the plus strand (C>T on the coding strand, the complement: PKP2 is on the minus strand). VCF-style: chr12-32896662-G-A. GRCh37 (hg19) VCF-style: chr12-33049596-G-A.
Other names: c.70C>T, p.Gln24Ter (NM_001407155.1, NM_001407156.1, NM_001407157.1 and 2 more transcripts); c.-757C>T (NM_001407158.1, NM_001407162.1); c.-521C>T (NM_001407159.1, NM_001407160.1); short protein forms Q24*.
Identifiers: ClinVar variation 3613561 (VCV003613561.2).
Genomic context (GRCh38, chr12:32,896,662, plus strand): 5'-TGCTCCCCGCCAGCTTCAGCTTGGCCTCGGAGGGCAGCGCCAGGCTGGAGCTGTCCAGTT[G>A]TCCCAGGATCTGCTGGCCCAGGACGGTCCGGATGTAGCCGTACTCAGCTGGGGCGCCGGG-3'